The following is an entry in ClinVar:

ClinVar aggregate classification (germline): Pathogenic (1 of 4 stars; one submission).

Conditions:
Blepharophimosis - intellectual disability syndrome, SBBYS type (SBBYSS). Also called: Say-Barber-Biesecker-Young-Simpson variant of Ohdo Syndrome; Say-Barber-Biesecker Variant of Ohdo Syndrome; Ohdo syndrome, SBBYS variant; SBBYSS syndrome; Say-Barber-Biesecker-Young-Simpson syndrome; Young Simpson syndrome. Identifiers: Orphanet 3047, MedGen C1863557, MONDO:0011365, OMIM 603736.
Genitopatellar syndrome (GTPTS). Also called: ABSENT PATELLAE, SCROTAL HYPOPLASIA, RENAL ANOMALIES, FACIAL DYSMORPHISM, AND MENTAL RETARDATION; Genitopatellar syndrome (GPS). Identifiers: Orphanet 85201, MedGen C1853566, MONDO:0011640, OMIM 606170.

Submission:

Institute of Immunology and Genetics Kaiserslautern
Classification: Pathogenic for Genitopatellar syndrome; Blepharophimosis - intellectual disability syndrome, SBBYS type. Last evaluated: 2025-12-01. Review status: criteria provided, single submitter. Criteria: ACMG Guidelines, 2015. Collection method: clinical testing. Allele origin: de novo. Affected: yes.
Comment: ACMG Criteria: PVS1, PS2, PM2; Variant was found in heterozygous state. De novo-status was confirmed via in-house segregation analysis.

NM_012330.4(KAT6B):c.3172del (p.Arg1058fs)

Gene: KAT6B (lysine acetyltransferase 6B; plus strand). Cytogenetic location: 10q22.2.
Variant type: Deletion.
Coding change: c.3172del on transcript NM_012330.4 (MANE Select); coding-DNA position 3172, one base deleted (C; older notation c.3172delC).
Protein change: p.Arg1058fs; shifts the reading frame from arginine 1058.
Molecular consequence: frameshift variant.
Genome position (GRCh38, 1-based): chr10:75,022,031, C deleted. VCF-style (leftmost placement, unchanged base first): chr10-75022030-GC-G. GRCh37 (hg19) VCF-style: chr10-76781788-GC-G.
Other names: c.2623del, p.Arg875fs (NM_001256468.2, NM_001370138.1); c.2296del, p.Arg766fs (NM_001256469.2, NM_001370139.1, NM_001370140.1 and 2 more transcripts); c.2134del, p.Arg712fs (NM_001370132.1); c.1483del, p.Arg495fs (NM_001370133.1); c.1087del, p.Arg363fs (NM_001370134.1); c.829del, p.Arg277fs (NM_001370135.1); c.3172del, p.Arg1058fs (NM_001370136.1, NM_001370137.1); c.2107del, p.Arg703fs (NM_001370143.1, NM_001370144.1); short protein forms R1058fs, R277fs, R363fs, R495fs, R703fs, R712fs, R766fs, R875fs.
Identifiers: ClinVar variation 4851446 (VCV004851446.1).
Genomic context (GRCh38, chr10:75,022,030, plus strand): 5'-AAAAGTACAATCGAAAAATAAATATTTGCATTCCCCGGAGAGCCGGCCAGTCACAGGGGA[GC>G]GAGGGCAGCTGCTGGAGCTGTCTAAAGAGAGCAGTGAAGAAGAAGAGGAGGAGGAGGACG-3'